The following is an entry in ClinVar:

NM_172351.3(CD46):c.351C>G (p.Tyr117Ter)

Gene: CD46 (CD46 molecule; plus strand). Cytogenetic location: 1q32.2.
Variant type: single nucleotide variant.
Coding change: c.351C>G on transcript NM_172351.3 (MANE Select); coding-DNA position 351, C replaced by G.
Protein change: p.Tyr117Ter; replaces tyrosine 117 with a stop codon.
Molecular consequence: nonsense.
Genome position (GRCh38, 1-based): chr1:207,757,604, C>G. VCF-style: chr1-207757604-C-G. GRCh37 (hg19) VCF-style: chr1-207930949-C-G.
Other names: c.351C>G, p.Tyr117Ter (NM_002389.4, NM_153826.4, NM_172350.3 and 8 more transcripts); short protein forms Y117*.
Identifiers: ClinVar variation 3370412 (VCV003370412.1).

ClinVar aggregate classification (germline): Likely pathogenic (0 of 4 stars; one submission).

Conditions:
Atypical hemolytic-uremic syndrome with MCP/CD46 anomaly. Also called: HEMOLYTIC UREMIC SYNDROME, ATYPICAL, SUSCEPTIBILITY TO, 2; AHUS, SUSCEPTIBILITY TO, 2. Identifiers: Orphanet 2134, MedGen C2752040, MONDO:0013040, OMIM 612922.

Submission:

Department of Genetics, Suzhou Beikang Medical Laboratory
Classification: Likely pathogenic for Atypical hemolytic-uremic syndrome with MCP/CD46 anomaly. Last evaluated: 2024-10-31. Review status: no assertion criteria provided. Collection method: clinical testing. Allele origin: germline. Affected: no.
Comment: This sequence change creates a premature translational stop signal (p.Tyr117*) in the CD46 gene. It is expected to result in an absent or disrupted protein product. Loss-of-function variants in CD46 are known to be pathogenic (PMID: 21841779, 26827111). This variant is not present in population databases (gnomAD no frequency). This variant has not been reported in the literature in individuals affected with CD46-related conditions. For these reasons, this variant has been classified as Likely pathogenic.